The following is an entry in ClinVar:

NM_000554.6(CRX):c.*400A>T

Gene: CRX (cone-rod homeobox; plus strand). Cytogenetic location: 19q13.33.
Variant type: single nucleotide variant.
Coding change: c.*400A>T on transcript NM_000554.6 (MANE Select); 400 bases downstream of the stop codon, A replaced by T.
Molecular consequence: 3 prime UTR variant.
Genome position (GRCh38, 1-based): chr19:47,840,367, A>T. VCF-style: chr19-47840367-A-T. GRCh37 (hg19) VCF-style: chr19-48343624-A-T.
Identifiers: ClinVar variation 329708 (VCV000329708.6), dbSNP rs3848536, ClinGen allele CA10652626.

ClinVar aggregate classification (germline): Benign. Review status: criteria provided, multiple submitters, no conflicts (2 of 4 stars). 4 submissions from 2 submitters: Benign (4). Last evaluated 2018-01-12.

Conditions:
Leber congenital amaurosis 7 (LCA7). Identifiers: Orphanet 65, MedGen C3151192, MONDO:0013449, OMIM 613829.
Retinitis pigmentosa (RP). Identifiers: Orphanet 791, MedGen C0035334, MeSH D012174, MONDO:0019200, OMIM 268000. Inheritance: Autosomal dominant, autosomal recessive and X linked inheritance.
Cone-rod dystrophy 2 (CORD2). Also called: CONE-ROD RETINAL DYSTROPHY; Cone-rod retinal dystrophy 2. Identifiers: Orphanet 1872, MedGen C3489532, MONDO:0007362, OMIM 120970.

Allele frequency attached by ClinVar (database versions not stated): 1000 Genomes Project 0.24261; TOPMed 0.32231; gnomAD 0.32487 and 0.32741; gnomAD exomes 0.34352.

Submissions (4):

Illumina Laboratory Services, Illumina
Classification: Benign for Leber congenital amaurosis 7. Last evaluated: 2018-01-12. Review status: criteria provided, single submitter. Criteria: ICSL Variant Classification Criteria 13 December 2019. Collection method: clinical testing. Allele origin: germline.
Comment: This variant was observed in the ICSL laboratory as part of a predisposition screen in an ostensibly healthy population. It had not been previously curated by ICSL or reported in the Human Gene Mutation Database (HGMD: prior to June 1st, 2018), and was therefore a candidate for classification through an automated scoring system. Utilizing variant allele frequency, disease prevalence and penetrance estimates, and inheritance mode, an automated score was calculated to assess if this variant is too frequent to cause the disease. Based on the score and internal cut-off values, a variant classified as benign is not then subjected to further curation. The score for this variant resulted in a classification of benign for this disease.

Illumina Laboratory Services, Illumina
Classification: Benign for Retinitis pigmentosa. Last evaluated: 2018-01-12. Review status: criteria provided, single submitter. Criteria: ICSL Variant Classification Criteria 13 December 2019. Collection method: clinical testing. Allele origin: germline.
Comment: the same text as in the submission from Illumina Laboratory Services, Illumina above.

Illumina Laboratory Services, Illumina
Classification: Benign for Cone-rod dystrophy 2. Last evaluated: 2018-01-12. Review status: criteria provided, single submitter. Criteria: ICSL Variant Classification Criteria 13 December 2019. Collection method: clinical testing. Allele origin: germline.
Comment: the same text as in the submission from Illumina Laboratory Services, Illumina above.

Breakthrough Genomics
Classification: Benign. Review status: criteria provided, single submitter. Criteria: ACMG Guidelines, 2015. Collection method: not provided. Allele origin: germline. Inheritance: Autosomal dominant inheritance. Affected: yes.